The following is an entry in ClinVar:

ClinVar aggregate classification (germline): Uncertain significance (1 of 4 stars; one submission).

Conditions:
Long QT syndrome (LQTS). Identifiers: MedGen C0023976, MeSH D008133, MONDO:0002442. Disease mechanism: loss of function. Inheritance: Various modes of inheritance.

Submission:

Labcorp Genetics (formerly Invitae), Labcorp
Classification: Uncertain significance for Long QT syndrome. Last evaluated: 2021-05-17. Review status: criteria provided, single submitter. Criteria: Invitae Variant Classification Sherloc (09022015). Collection method: clinical testing. Allele origin: germline.
Comment: In summary, the available evidence is currently insufficient to determine the role of this variant in disease. Therefore, it has been classified as a Variant of Uncertain Significance. Algorithms developed to predict the effect of missense changes on protein structure and function (SIFT, PolyPhen-2, Align-GVGD) all suggest that this variant is likely to be tolerated, but these predictions have not been confirmed by published functional studies and their clinical significance is uncertain. This variant has not been reported in the literature in individuals with KCNH2-related conditions. The frequency data for this variant in the population databases is considered unreliable, as metrics indicate insufficient coverage at this position in the ExAC database. This sequence change replaces proline with leucine at codon 191 of the KCNH2 protein (p.Pro191Leu). The proline residue is weakly conserved and there is a moderate physicochemical difference between proline and leucine.

NM_000238.4(KCNH2):c.572C>T (p.Pro191Leu)

Gene: KCNH2 (potassium voltage-gated channel subfamily H member 2; minus strand). Cytogenetic location: 7q36.1.
Variant type: single nucleotide variant.
Coding change: c.572C>T on transcript NM_000238.4 (MANE Select); coding-DNA position 572, C replaced by T.
Protein change: p.Pro191Leu; replaces proline 191 with leucine.
Molecular consequence: missense variant.
Genome position (GRCh38, 1-based): chr7:150,958,403, G>A on the plus strand (C>T on the coding strand, the complement: KCNH2 is on the minus strand). VCF-style: chr7-150958403-G-A. GRCh37 (hg19) VCF-style: chr7-150655491-G-A.
Other names: c.284C>T, p.Pro95Leu (NM_001406753.1, NM_001406756.1); c.395C>T, p.Pro132Leu (NM_001406755.1); c.272C>T, p.Pro91Leu (NM_001406757.1); c.572C>T, p.Pro191Leu (NM_172056.3); short protein forms P191L, P132L, P91L, P95L.
Identifiers: ClinVar variation 1027196 (VCV001027196.9), dbSNP rs1345107784, ClinGen allele CA369863259.